The following is an entry in ClinVar:

NM_001365999.1(SZT2):c.4021C>G (p.Pro1341Ala)

Gene: SZT2 (SZT2 subunit of KICSTOR complex; plus strand). Cytogenetic location: 1p34.2.
Variant type: single nucleotide variant.
Coding change: c.4021C>G on transcript NM_001365999.1 (MANE Select); coding-DNA position 4021, C replaced by G.
Protein change: p.Pro1341Ala; replaces proline 1341 with alanine.
Molecular consequence: missense variant.
Genome position (GRCh38, 1-based): chr1:43,428,341, C>G. VCF-style: chr1-43428341-C-G. GRCh37 (hg19) VCF-style: chr1-43894012-C-G.
Other names: c.3850C>G, p.Pro1284Ala (NM_015284.4); c.3850C>G (NM_015284.3); short protein forms P1341A, P1284A.
Identifiers: ClinVar variation 2168501 (VCV002168501.7), dbSNP rs758375511, ClinGen allele CA809165.

ClinVar aggregate classification (germline): Uncertain significance. Review status: criteria provided, multiple submitters, no conflicts (2 of 4 stars). 3 submissions from 3 submitters: Uncertain significance (3). Last evaluated 2023-08-15.

Conditions:
Inborn genetic diseases. Identifiers: MedGen C0950123, MeSH D030342.
Developmental and epileptic encephalopathy, 18 (DEE18). Also called: Early infantile epileptic encephalopathy 18. Identifiers: Orphanet 369894, MedGen C3809624, MONDO:0014201, OMIM 615476.

Allele frequency attached by ClinVar (database versions not stated): gnomAD 0.00001; ExAC 0.00002.
gnomAD v4.1: 13 of 1,614,026 alleles (0.00081%); highest among the groups gnomAD compares: Non-Finnish European, 0.001%; no homozygotes.

Submissions (3):

Ambry Genetics
Classification: Uncertain significance for Inborn genetic diseases. Last evaluated: 2023-08-15. Review status: criteria provided, single submitter. Criteria: Ambry Variant Classification Scheme 2023. Collection method: clinical testing. Allele origin: germline.

Genome-Nilou Lab
Classification: Uncertain significance for Developmental and epileptic encephalopathy, 18. Last evaluated: 2023-04-11. Review status: criteria provided, single submitter. Criteria: ACMG Guidelines, 2015. Collection method: clinical testing. Allele origin: germline. Affected: no.

Labcorp Genetics (formerly Invitae), Labcorp
Classification: Uncertain significance. Last evaluated: 2023-01-22. Review status: criteria provided, single submitter. Criteria: Invitae Variant Classification Sherloc (09022015). Collection method: clinical testing. Allele origin: germline.
Comment: In summary, the available evidence is currently insufficient to determine the role of this variant in disease. Therefore, it has been classified as a Variant of Uncertain Significance. Advanced modeling of protein sequence and biophysical properties (such as structural, functional, and spatial information, amino acid conservation, physicochemical variation, residue mobility, and thermodynamic stability) performed at Invitae indicates that this missense variant is not expected to disrupt SZT2 protein function. This variant has not been reported in the literature in individuals affected with SZT2-related conditions. This variant is present in population databases (rs758375511, gnomAD 0.003%). This sequence change replaces proline, which is neutral and non-polar, with alanine, which is neutral and non-polar, at codon 1284 of the SZT2 protein (p.Pro1284Ala).